The following is an entry in ClinVar:

NM_020041.3(SLC2A9):c.150+4A>C

Genes: SLC2A9 (solute carrier family 2 member 9; minus strand), LOC124900664 (uncharacterized LOC124900664; plus strand). Cytogenetic location: 4p16.1.
Variant type: single nucleotide variant.
Coding change: c.150+4A>C on transcript NM_020041.3 (MANE Select); 4 bases into the intron after coding-DNA position 150, A replaced by C.
Molecular consequence: intron variant.
Genome position (GRCh38, 1-based): chr4:10,021,276, T>G on the plus strand (A>C on the coding strand, the complement: SLC2A9 is on the minus strand). VCF-style: chr4-10021276-T-G. GRCh37 (hg19) VCF-style: chr4-10022900-T-G.
Other names: c.64-2203A>C (NM_001001290.2).
Identifiers: ClinVar variation 3352062 (VCV003352062.1).

ClinVar aggregate classification (germline): Likely benign (0 of 4 stars; one submission).

Conditions:
SLC2A9-related disorder. Also called: SLC2A9-related condition.

gnomAD v4.1: 5 of 1,613,136 alleles (0.00031%); highest among the groups gnomAD compares: Non-Finnish European, 0.00042%; no homozygotes.

Submission:

PreventionGenetics, part of Exact Sciences
Classification: Likely benign for SLC2A9-related condition. Last evaluated: 2024-09-12. Review status: no assertion criteria provided. Collection method: clinical testing. Allele origin: germline.
Comment: This variant is classified as likely benign based on ACMG/AMP sequence variant interpretation guidelines (Richards et al. 2015 PMID: 25741868, with internal and published modifications).